The following is an entry in ClinVar:

NM_002599.5(PDE2A):c.1785C>T (p.Ala595=)

Gene: PDE2A (phosphodiesterase 2A; minus strand). Cytogenetic location: 11q13.4.
Variant type: single nucleotide variant.
Coding change: c.1785C>T on transcript NM_002599.5 (MANE Select); coding-DNA position 1785, C replaced by T.
Protein change: p.Ala595=; no amino-acid change (alanine 595 retained).
Molecular consequence: synonymous variant.
Genome position (GRCh38, 1-based): chr11:72,582,510, G>A on the plus strand (C>T on the coding strand, the complement: PDE2A is on the minus strand). VCF-style: chr11-72582510-G-A. GRCh37 (hg19) VCF-style: chr11-72293554-G-A.
Other names: c.1764C>T, p.Ala588= (NM_001143839.4); c.1758C>T, p.Ala586= (NM_001146209.3); c.1722C>T, p.Ala574= (NM_001243784.2).
Identifiers: ClinVar variation 1621394 (VCV001621394.38), dbSNP rs757657789, ClinGen allele CA6172040.

ClinVar aggregate classification (germline): Likely benign. Review status: criteria provided, multiple submitters, no conflicts (2 of 4 stars). 2 submissions from 2 submitters: Likely benign (2). Last evaluated 2025-06-20.

Allele frequency attached by ClinVar (database versions not stated): ExAC 0.00001; TOPMed 0.00002; gnomAD exomes 0.00003 and 0.00004; gnomAD 0.00007 and 0.00008.
gnomAD v4.1: 66 of 1,613,322 alleles (0.0041%); highest among the groups gnomAD compares: Non-Finnish European, 0.0051%; no homozygotes.

Submissions (2):

Labcorp Genetics (formerly Invitae), Labcorp
Classification: Likely benign. Last evaluated: 2025-06-20. Review status: criteria provided, single submitter. Criteria: Invitae Variant Classification Sherloc (09022015). Collection method: clinical testing. Allele origin: germline.

CeGaT Center for Human Genetics Tuebingen
Classification: Likely benign. Last evaluated: 2022-07-01. Review status: criteria provided, single submitter. Criteria: CeGaT Center For Human Genetics Tuebingen Variant Classification Criteria Version 2. Collection method: clinical testing. Allele origin: germline. Affected: yes. Observed: 1 variant allele.
Comment: PDE2A: BP4